The following is an entry in ClinVar:

ClinVar aggregate classification (germline): Likely benign (1 of 4 stars; one submission).

Submission:

GeneDx
Classification: Likely benign. Last evaluated: 2015-11-18. Review status: criteria provided, single submitter. Criteria: GeneDx Variant Classification (06012015). Collection method: clinical testing. Allele origin: germline. Affected: yes.
Comment: This variant is considered likely benign or benign based on one or more of the following criteria: it is a conservative change, it occurs at a poorly conserved position in the protein, it is predicted to be benign by multiple in silico algorithms, and/or has population frequency not consistent with disease.

NM_006516.4(SLC2A1):c.972+26dup

Gene: SLC2A1 (solute carrier family 2 member 1; minus strand). Cytogenetic location: 1p34.2.
Variant type: Duplication.
Coding change: c.972+26dup on transcript NM_006516.4 (MANE Select); 26 bases into the intron after coding-DNA position 972, one base duplicated (C; older notation c.972+26dupC).
Molecular consequence: intron variant.
Genome position (GRCh38, 1-based): chr1:42,929,184, G duplicated on the plus strand (C on the coding strand, the reverse complement: SLC2A1 is on the minus strand); the first of 7 consecutive G bases (chr1:42,929,184-42,929,190); duplicating any one gives the same sequence. VCF-style (leftmost placement, unchanged base first): chr1-42929183-T-TG. GRCh37 (hg19) VCF-style: chr1-43394854-T-TG.
Other names: c.972+26dupC (NM_006516.2).
Identifiers: ClinVar variation 420171 (VCV000420171.1), dbSNP rs761093585, ClinGen allele CA803386.